The following is an entry in ClinVar:

ClinVar aggregate classification (germline): Conflicting classifications of pathogenicity. Review status: criteria provided, conflicting classifications (1 of 4 stars). 9 submissions from 9 submitters: Pathogenic (4); Likely pathogenic (4); Uncertain significance (1). Last evaluated 2026-06-13.

Conditions:
Short stature-onychodysplasia-facial dysmorphism-hypotrichosis syndrome. Also called: SOFT SYNDROME; Short stature, onychodysplasia, facial dysmorphism, and hypotrichosis. Identifiers: Orphanet 314394, MedGen C3542022, MONDO:0013894, OMIM 614813.

Allele frequency attached by ClinVar (database versions not stated): gnomAD exomes 0.00001 and 0.00003; ExAC 0.00002; gnomAD 0.00003 and 0.00004; ESP Exome Variant Server 0.00008.
gnomAD v4.1: 16 of 1,613,300 alleles (0.00099%); highest among the groups gnomAD compares: Admixed American, 0.018%; no homozygotes.

Submissions 1 to 7 of 9:

Centro Nacional de Genética Medica, Administración Nacional de Laboratorios e Institutos de Salud (ANLIS) “Dr. Carlos G Malbrán”
Classification: Pathogenic for Short stature-onychodysplasia-facial dysmorphism-hypotrichosis syndrome. Last evaluated: 2026-06-13. Review status: criteria provided, single submitter. Criteria: ACMG Guidelines, 2015. Collection method: clinical testing. Allele origin: germline. Affected: yes. Observed: 3 variant alleles. Clinical features observed: Small for gestational age (HP:0001518), Postnatal growth retardation (HP:0008897), Relative macrocephaly (HP:0004482), Prominent forehead (HP:0011220), Triangular face (HP:0000325), Micrognathia (HP:0000347), Decreased muscle mass (HP:0003199), Delayed speech and language development (HP:0000750), Bilateral cryptorchidism (HP:0008689), Patent ductus arteriosus (HP:0001643).
Comment: Therefore, a change of the amino acid (missense) arginine at position 217, which has a side chain with a positively charged guanidinium group, to tryptophan is predicted. Tryptophan has an aromatic side chain with a nitrogen atom attached to its indole ring, giving it a certain polarity (p.Arg217Trp). The patient presented with clinical symptoms compatible with SOFT syndrome. In another (PMID: 40844121), they are described two cases with the variant found in the patient, one homozygous and the other a compound heterozygous with p.Asp124Asn. These patients were also from Chile. To date, the ClinVar database (PMID: 26582918) contains two reports of this variant with clinical presentations compatible with SOFT, classified as probably pathogenic, from patients in Argentina. One was reported by the Genomics Laboratory, Translational Medicine Unit, R. Gutierrez Children's Hospital (ClinVar accession number: SCV003806697.2), and the other by the Molecular Biology - Genetics Laboratory, Garrahan Pediatric Hospital (ClinVar accession number: SCV003806695.2). In both cases, the variant was homozygous, and the parents were carriers (PS4_Moderate). Arginine 217 is part of the WD5 repeat, and another publication (PMID: 39017987) suggests that this variant affects the repeat domain in which it is located (PM1). In PMID: 40844121 it is described one compound heterozygous case with the variant found in the patient in trans with p.Asp124Asn. This variant was also reported in homozygosity in the mentioned reports. The variant found is present at low frequency in population databases such as GnomAD, ExAc, and 1000 Genomes (frequency: 9.9e-6) (PM2_Supporting). Most bioinformatics predictors (such as AlphaMissense, REVEL, and BayesDel, among others) classify the variant as deleterious (PP3).

GeneDx
Classification: Likely pathogenic. Last evaluated: 2026-02-19. Review status: criteria provided, single submitter. Criteria: GeneDx Variant Classification Process June 2021. Collection method: clinical testing. Allele origin: germline.
Comment: In silico analysis supports that this missense variant has a deleterious effect on protein structure/function; This variant is associated with the following publications: (PMID: 39017987, 30569574, 34627339, 35234134)

Labcorp Genetics (formerly Invitae), Labcorp
Classification: Pathogenic. Last evaluated: 2025-09-11. Review status: criteria provided, single submitter. Criteria: Invitae Variant Classification Sherloc (09022015). Collection method: clinical testing. Allele origin: germline.
Comment: This sequence change replaces arginine, which is basic and polar, with tryptophan, which is neutral and slightly polar, at codon 217 of the POC1A protein (p.Arg217Trp). This variant is present in population databases (rs372247136, gnomAD 0.02%). This missense change has been observed in individual(s) with clinical features of short stature, onychodysplasia, facial dysmorphism, hypotrichosis syndrome (PMID: 30569574; internal data). In at least one individual the data is consistent with being in trans (on the opposite chromosome) from a pathogenic variant. ClinVar contains an entry for this variant (Variation ID: 1224365). Invitae Evidence Modeling of protein sequence and biophysical properties (such as structural, functional, and spatial information, amino acid conservation, physicochemical variation, residue mobility, and thermodynamic stability) indicates that this missense variant is expected to disrupt POC1A protein function with a positive predictive value of 80%. For these reasons, this variant has been classified as Pathogenic.

3billion
Classification: Likely pathogenic for Short stature-onychodysplasia-facial dysmorphism-hypotrichosis syndrome. Last evaluated: 2024-07-11. Review status: criteria provided, single submitter. Criteria: ACMG Guidelines, 2015. Collection method: clinical testing. Allele origin: germline. Affected: yes.
Comment: The variant is observed at an extremely low frequency in the gnomAD v4.0.0 dataset (total allele frequency: <0.001%). Predicted Consequence/Location: Missense variant In silico tool predictions suggest damaging effect of the variant on gene or gene product [REVEL: 0.66 (>=0.6, sensitivity 0.68 and specificity 0.92)]. The same nucleotide change resulting in the same amino acid change has been previously reported as pathogenic/likely pathogenic with strong evidence (ClinVar ID: VCV001224365 /PMID: 30569574). Therefore, this variant is classified as Likely pathogenic according to the recommendation of ACMG/AMP guideline.

Fulgent Genetics
Classification: Pathogenic for Short stature-onychodysplasia-facial dysmorphism-hypotrichosis syndrome. Last evaluated: 2024-03-30. Review status: criteria provided, single submitter. Criteria: ACMG Guidelines, 2015. Collection method: clinical testing. Allele origin: germline.

Women's Health and Genetics/Laboratory Corporation of America, LabCorp
Classification: Pathogenic for Short stature-onychodysplasia-facial dysmorphism-hypotrichosis syndrome. Last evaluated: 2024-03-29. Review status: criteria provided, single submitter. Criteria: LabCorp Variant Classification Summary - May 2015. Collection method: clinical testing. Allele origin: germline.
Comment: Variant summary: POC1A c.649C>T (p.Arg217Trp) results in a non-conservative amino acid change in the encoded protein sequence. Five of five in-silico tools predict a damaging effect of the variant on protein function. The variant allele was found at a frequency of 2.8e-05 in 250796 control chromosomes (gnomAD). c.649C>T has been reported in the literature in individuals affected with features of Short stature-onychodysplasia-facial dysmorphism-hypotrichosis syndrome (Saida_2019, Schocchia_2021, Mericq_2022). These data indicate that the variant is very likely to be associated with disease. To our knowledge, no experimental evidence demonstrating an impact on protein function has been reported. The following publications have been ascertained in the context of this evaluation (PMID: 30569574, 34627339, 35234134). ClinVar contains an entry for this variant (Variation ID: 1224365). Based on the evidence outlined above, the variant was classified as pathogenic.

Laboratorio de Biologia Molecular - Genetica, Hospital de Pediatria Garrahan
Classification: Likely pathogenic for Short stature-onychodysplasia-facial dysmorphism-hypotrichosis syndrome. Last evaluated: 2023-01-30. Review status: criteria provided, single submitter. Criteria: ACMG Guidelines, 2015. Collection method: clinical testing. Allele origin: germline. Inheritance: Autosomal recessive inheritance. Affected: yes. Observed: 1 homozygote.
Comment: This sequence change replaces arginine with tryptophan at codon 217 of the POC1A protein (NP_056241.3:p.Arg217Trp). There is a moderate physicochemical difference between arginine and tryptophan. This variant is present in population databases (rs372247136). This variant has also been reported in other individual(s) with short stature, onychodysplasia, facial dysmorphism, hypotrichosis syndrome as homozygous or compund heterozygous along with a likely pathogenic variant (PMID: 30569574, PMID: 35234134). Web-based in silico software predicted POC1A variant (NM_001161580.1:c.649C>T, NP_056241.3:p. Arg217Trp) of the patient to be pathogenic, with a predicted value of 0 (deleterious) in SIFT (Kumar, Henikoff, & Ng, 2009), 1 (probably damaging) in PolyPhen-2 (Adzhubei et al., 2010) , 33 (>20) in CADD score (Kircher et al., 2014) and 0.66 in REVEL score (Ioannidis NM et al., 2016). The Arginine 217 is conserved along several species: H.sapiens, B.taurus, M.musculus, X.tropicalis, D.rerio. In summary, the available evidence supports the classification of this variant as Likely Pathogenic (PM2_supporting, PP3_supporting, PM3_strong) according to ACMG criteria and the recommendations of the ClinGen Sequence Variant Interpretation Working Group (SVI WG).

NM_015426.5(POC1A):c.649C>T (p.Arg217Trp)

Gene: POC1A (POC1 centriolar protein A; minus strand). Cytogenetic location: 3p21.2.
Variant type: single nucleotide variant.
Coding change: c.649C>T on transcript NM_015426.5 (MANE Select); coding-DNA position 649, C replaced by T.
Protein change: p.Arg217Trp; replaces arginine 217 with tryptophan.
Molecular consequence: missense variant.
Genome position (GRCh38, 1-based): chr3:52,145,876, G>A on the plus strand (C>T on the coding strand, the complement: POC1A is on the minus strand). VCF-style: chr3-52145876-G-A. GRCh37 (hg19) VCF-style: chr3-52179892-G-A.
Other names: NP_056241.3:p.Arg217Trp; c.649C>T, p.Arg217Trp (NM_001161580.2); c.535C>T, p.Arg179Trp (NM_001161581.2); short protein forms R179W, R217W.
Identifiers: ClinVar variation 1224365 (VCV001224365.17), dbSNP rs372247136, ClinGen allele CA2429551.